The following is an entry in ClinVar:

NM_001605.3(AARS1):c.242A>C (p.Lys81Thr)

Gene: AARS1 (alanyl-tRNA synthetase 1; minus strand). Cytogenetic location: 16q22.1.
Variant type: single nucleotide variant.
Coding change: c.242A>C on transcript NM_001605.3 (MANE Select); coding-DNA position 242, A replaced by C.
Protein change: p.Lys81Thr; replaces lysine 81 with threonine.
Molecular consequence: missense variant.
Genome position (GRCh38, 1-based): chr16:70,277,057, T>G on the plus strand (A>C on the coding strand, the complement: AARS1 is on the minus strand). VCF-style: chr16-70277057-T-G. GRCh37 (hg19) VCF-style: chr16-70310960-T-G.
Other names: short protein forms K81T.
Identifiers: ClinVar variation 190102 (VCV000190102.8), dbSNP rs786205157, ClinGen allele CA199541.

ClinVar aggregate classification (germline): Likely pathogenic. Review status: criteria provided, single submitter (1 of 4 stars). 3 submissions from 3 submitters: Likely pathogenic (1). 2 of the submissions do not count toward it. Last evaluated 2015-06-03.

Conditions:
Developmental and epileptic encephalopathy, 29 (DEE29). Also called: Epileptic encephalopathy, early infantile, 29. Identifiers: Orphanet 442835, MedGen C4225361, MONDO:0014593, OMIM 616339.
Charcot-Marie-Tooth disease axonal type 2N (CMT2N). Also called: Charcot-Marie-Tooth Neuropathy Type 2N; CHARCOT-MARIE-TOOTH DISEASE, AXONAL, AUTOSOMAL DOMINANT, TYPE 2N; CHARCOT-MARIE-TOOTH NEUROPATHY, AXONAL, TYPE 2N. Identifiers: Orphanet 228174, MedGen C2750090, MONDO:0013212, OMIM 613287.

Allele frequency attached by ClinVar (database versions not stated): gnomAD 0.00001.
gnomAD v4.1: 1 of 1,614,054 alleles (0.000062%); highest among the groups gnomAD compares: African/African-American, 0.0013%; no homozygotes.

Submissions (3):

GeneDx
Classification: Likely pathogenic. Last evaluated: 2015-06-03. Review status: criteria provided, single submitter. Criteria: GeneDx Variant Classification (06012015). Collection method: clinical testing. Allele origin: germline. Affected: yes.
Comment: Functional studies show K81T mildly impaired aminoacylation activity in vitro and significantly reduced growth in yeast (Simons et al., 2015). K81T was not observed in approximately 6,500 individuals of European and African American ancestry in the NHLBI Exome Sequencing Project, indicating it is not a common benign variant in these populations. K81T is a semi-conservative amino acid substitution that alters a position that is conserved across species. In silico analysis predicts this variant is probably damaging to the protein structure/function.

Inherited Neuropathy Consortium Ii, University Of Miami
Classification: Uncertain significance for Charcot-Marie-Tooth disease axonal type 2N. Last evaluated: 2016-01-06. Review status: no assertion criteria provided. Collection method: literature only. Allele origin: germline. Affected: yes. Not counted in ClinVar's aggregate classification.

OMIM
Classification: Pathogenic for DEVELOPMENTAL AND EPILEPTIC ENCEPHALOPATHY 29. Last evaluated: 2015-04-02. Review status: no assertion criteria provided. Collection method: literature only. Allele origin: germline. Not counted in ClinVar's aggregate classification.

Literature cited by the submitters: PubMed 21494555 (cited by Inherited Neuropathy Consortium Ii, University Of Miami); PubMed 25817015 (cited by OMIM).